The following is an entry in ClinVar:

ClinVar aggregate classification (germline): Likely benign. Review status: criteria provided, multiple submitters, no conflicts (2 of 4 stars). 4 submissions from 4 submitters: Likely benign (4). Last evaluated 2024-06-17.

Allele frequency attached by ClinVar (database versions not stated): gnomAD 0.00029; ESP Exome Variant Server 0.00066.
gnomAD v4.1: 579 of 1,613,896 alleles (0.036%); highest among the groups gnomAD compares: Middle Eastern, 0.25%; 3 homozygotes.

Submissions (4):

Blueprint Genetics
Classification: Likely benign. Last evaluated: 2024-06-17. Review status: criteria provided, single submitter. Criteria: ACMG Guidelines, 2015. Collection method: clinical testing. Allele origin: germline.

CeGaT Center for Human Genetics Tuebingen
Classification: Likely benign. Last evaluated: 2023-05-01. Review status: criteria provided, single submitter. Criteria: CeGaT Center For Human Genetics Tuebingen Variant Classification Criteria Version 2. Collection method: clinical testing. Allele origin: germline. Affected: yes. Observed: 3 variant alleles.
Comment: WWOX: BP4, BP7

GeneDx
Classification: Likely benign. Last evaluated: 2018-01-17. Review status: criteria provided, single submitter. Criteria: GeneDx Variant Classification Process June 2021. Collection method: clinical testing. Allele origin: germline. Affected: yes.

Breakthrough Genomics
Classification: Likely benign. Review status: criteria provided, single submitter. Criteria: ACMG Guidelines, 2015. Collection method: not provided. Allele origin: germline. Inheritance: Autosomal recessive inheritance. Affected: yes.

NM_016373.4(WWOX):c.*14C>T

Genes: MAF (MAF bZIP transcription factor; minus strand), WWOX (WW domain containing oxidoreductase; plus strand). Cytogenetic location: 16q23.2.
Variant type: single nucleotide variant.
Coding change: c.*14C>T on transcript NM_016373.4 (MANE Select); 14 bases downstream of the stop codon, C replaced by T.
Molecular consequence: 3 prime UTR variant.
Genome position (GRCh38, 1-based): chr16:79,211,810, C>T. VCF-style: chr16-79211810-C-T. GRCh37 (hg19) VCF-style: chr16-79245707-C-T.
Other names: c.*14C>T (NM_001291997.2).
Identifiers: ClinVar variation 1188780 (VCV001188780.39), dbSNP rs375034238, ClinGen allele CA8183817.